The following is an entry in ClinVar:

NM_181882.3(PRX):c.3672C>T (p.Asp1224=)

Gene: PRX (periaxin; minus strand). Cytogenetic location: 19q13.2.
Variant type: single nucleotide variant.
Coding change: c.3672C>T on transcript NM_181882.3 (MANE Select); coding-DNA position 3672, C replaced by T.
Protein change: p.Asp1224=; no amino-acid change (aspartic acid 1224 retained).
Molecular consequence: synonymous variant. On other transcripts: 3 prime UTR variant (1).
Genome position (GRCh38, 1-based): chr19:40,394,680, G>A on the plus strand (C>T on the coding strand, the complement: PRX is on the minus strand). VCF-style: chr19-40394680-G-A. GRCh37 (hg19) VCF-style: chr19-40900587-G-A.
Other names: c.3957C>T, p.Asp1319= (NM_001411127.1); c.*3877C>T (NM_020956.2).
Identifiers: ClinVar variation 1900857 (VCV001900857.6), dbSNP rs372995052, ClinGen allele CA9443815.

ClinVar aggregate classification (germline): Likely benign. Review status: criteria provided, multiple submitters, no conflicts (2 of 4 stars). 2 submissions from 2 submitters: Likely benign (2). Last evaluated 2025-11-18.

Conditions:
Charcot-Marie-Tooth disease type 4. Also called: Charcot-Marie-Tooth disease, type IV; Charcot-Marie-Tooth, Type 4. Identifiers: Orphanet 64749, MedGen C4082197, MONDO:0018995.
PRX-related disorder. Also called: PRX-Related Disorders; PRX-related condition.

Allele frequency attached by ClinVar (database versions not stated): ExAC 0.00002; gnomAD 0.00002; gnomAD exomes 0.00003; TOPMed 0.00003; ESP Exome Variant Server 0.00008.
gnomAD v4.1: 41 of 1,609,670 alleles (0.0025%); highest among the groups gnomAD compares: Middle Eastern, 0.016%; no homozygotes.

Submissions (2):

PreventionGenetics, part of Exact Sciences
Classification: Likely benign for PRX-related condition. Last evaluated: 2025-11-18. Review status: criteria provided, single submitter. Criteria: ACMG Guidelines, 2015. Collection method: clinical testing. Allele origin: germline.
Comment: This variant is classified as likely benign based on ACMG/AMP sequence variant interpretation guidelines (Richards et al. 2015 PMID: 25741868, with internal and published modifications).

Labcorp Genetics (formerly Invitae), Labcorp
Classification: Likely benign for Charcot-Marie-Tooth disease type 4. Last evaluated: 2024-12-09. Review status: criteria provided, single submitter. Criteria: Invitae Variant Classification Sherloc (09022015). Collection method: clinical testing. Allele origin: germline.